The following is an entry in ClinVar:

NM_004006.3(DMD):c.9564-1G>A

Gene: DMD (dystrophin; minus strand). Cytogenetic location: Xp21.2.
Variant type: single nucleotide variant.
Coding change: c.9564-1G>A on transcript NM_004006.3 (MANE Select); the canonical splice acceptor site of the intron before coding-DNA position 9564, G replaced by A.
Molecular consequence: splice acceptor variant.
Genome position (GRCh38, 1-based): chrX:31,206,668, C>T on the plus strand (G>A on the coding strand, the complement: DMD is on the minus strand). VCF-style: chrX-31206668-C-T. GRCh37 (hg19) VCF-style: chrX-31224785-C-T.
Other names: c.5532-1G>A (NM_004012.4); c.2184-1G>A (NM_004023.3, NM_004020.4, NM_004022.3 and 2 more transcripts); c.1377-1G>A (NM_004014.3); c.360-1G>A (NM_004018.3, NM_004017.3, NM_004016.3 and 2 more transcripts); c.9552-1G>A (NM_004009.3); c.9195-1G>A (NM_004010.3); c.9540-1G>A (NM_000109.4); c.5541-1G>A (NM_004011.4).
Identifiers: ClinVar variation 94845 (VCV000094845.10), dbSNP rs398124096, ClinGen allele CA267190.

ClinVar aggregate classification (germline): Pathogenic/Likely pathogenic. Review status: criteria provided, multiple submitters, no conflicts (2 of 4 stars). 2 submissions from 2 submitters: Pathogenic (1); Likely pathogenic (1). Last evaluated 2022-05-19.

Conditions:
Duchenne muscular dystrophy (DMD). Also called: Duchenne Muscular Dystrophy (DMD); MUSCULAR DYSTROPHY, PSEUDOHYPERTROPHIC PROGRESSIVE, DUCHENNE TYPE. Identifiers: Orphanet 98896, MedGen C0013264, MONDO:0010679, OMIM 310200.

Submissions (2):

Labcorp Genetics (formerly Invitae), Labcorp
Classification: Likely pathogenic for Duchenne muscular dystrophy. Last evaluated: 2022-05-19. Review status: criteria provided, single submitter. Criteria: Invitae Variant Classification Sherloc (09022015). Collection method: clinical testing. Allele origin: germline.
Comment: This sequence change affects an acceptor splice site in intron 65 of the DMD gene. It is expected to disrupt RNA splicing. Variants that disrupt the donor or acceptor splice site typically lead to a loss of protein function (PMID: 16199547), and loss-of-function variants in DMD are known to be pathogenic (PMID: 16770791, 25007885). In summary, the currently available evidence indicates that the variant is pathogenic, but additional data are needed to prove that conclusively. Therefore, this variant has been classified as Likely Pathogenic. Algorithms developed to predict the effect of sequence changes on RNA splicing suggest that this variant may disrupt the consensus splice site. ClinVar contains an entry for this variant (Variation ID: 94845). Disruption of this splice site has been observed in individual(s) with Duchenne muscular dystrophy (PMID: 25007885). This variant is not present in population databases (gnomAD no frequency).

Eurofins Ntd Llc (ga)
Classification: Pathogenic. Last evaluated: 2013-06-19. Review status: criteria provided, single submitter. Criteria: EGL Classification Definitions 2015. Collection method: clinical testing. Allele origin: germline. Observed: 2 variant alleles, 2 hemizygotes.

Literature cited by the submitters: PubMed 16199547 (cited by Labcorp Genetics (formerly Invitae), Labcorp); PubMed 16770791 (cited by Labcorp Genetics (formerly Invitae), Labcorp); PubMed 25007885 (cited by Labcorp Genetics (formerly Invitae), Labcorp).